The following is an entry in ClinVar:

NM_015450.3(POT1):c.924_927del (p.Ser309fs)

Gene: POT1 (protection of telomeres 1; minus strand). Cytogenetic location: 7q31.33.
Variant type: Deletion.
Coding change: c.924_927del on transcript NM_015450.3 (MANE Select); coding-DNA positions 924 to 927, 4 bases deleted (ATCA; older notation c.924_927delATCA).
Protein change: p.Ser309fs; shifts the reading frame from serine 309.
Molecular consequence: frameshift variant. On other transcripts: non-coding transcript variant (3).
Genome position (GRCh38, 1-based): chr7:124,851,894-124,851,897, TGAT deleted on the plus strand (ATCA on the coding strand, the reverse complement: POT1 is on the minus strand); deleting any 4 consecutive bases within chr7:124,851,894-124,851,900 gives the same sequence; the c. name uses the placement nearest the transcript's 3' end. VCF-style (leftmost placement, unchanged base first): chr7-124851893-CTGAT-C. GRCh37 (hg19) VCF-style: chr7-124491947-CTGAT-C.
Other names: c.531_534del, p.Ser178fs (NM_001042594.2); short protein forms S309fs, S178fs.
Identifiers: ClinVar variation 4673524 (VCV004673524.1).

ClinVar aggregate classification (germline): Pathogenic (1 of 4 stars; one submission).

Conditions:
Hereditary cancer-predisposing syndrome. Also called: Neoplastic Syndromes, Hereditary; Tumor predisposition; Hereditary Cancer Syndrome; Hereditary neoplastic syndrome. Identifiers: Orphanet 140162, MedGen C0027672, MeSH D009386, MONDO:0015356.

Submission:

Ambry Genetics
Classification: Pathogenic for Hereditary cancer-predisposing syndrome. Last evaluated: 2025-10-16. Review status: criteria provided, single submitter. Criteria: Ambry Variant Classification Scheme 2023. Collection method: clinical testing. Allele origin: germline.
Comment: The c.924_927delATCA pathogenic mutation, located in coding exon 7 of the POT1 gene, results from a deletion of 4 nucleotides at nucleotide positions 924 to 927, causing a translational frameshift with a predicted alternate stop codon (p.S309Nfs*17). This variant is considered to be rare based on population cohorts in the Genome Aggregation Database (gnomAD). This alteration is expected to result in loss of function by premature protein truncation or nonsense-mediated mRNA decay. As such, this alteration is interpreted as a disease-causing mutation.